The following is an entry in ClinVar:

NM_000463.3(UGT1A1):c.492G>C (p.Leu164=)

Genes: UGT1A (UDP glucuronosyltransferase family 1 member A complex locus; plus strand), UGT1A1 (UDP glucuronosyltransferase family 1 member A1; plus strand), UGT1A10 (UDP glucuronosyltransferase family 1 member A10; plus strand), UGT1A3 (UDP glucuronosyltransferase family 1 member A3; plus strand), UGT1A4 (UDP glucuronosyltransferase family 1 member A4; plus strand) and 5 more. Cytogenetic location: 2q37.1.
Variant type: single nucleotide variant.
Coding change: c.492G>C on transcript NM_000463.3 (MANE Select); coding-DNA position 492, G replaced by C.
Protein change: p.Leu164=; no amino-acid change (leucine 164 retained).
Molecular consequence: synonymous variant. On other transcripts: intron variant (9).
Genome position (GRCh38, 1-based): chr2:233,760,779, G>C. VCF-style: chr2-233760779-G-C. GRCh37 (hg19) VCF-style: chr2-234669425-G-C.
Other names: c.856-6255G>C (NM_019076.5, NM_019075.4, NM_021027.3 and 1 more transcripts); c.61-6255G>C (NM_205862.3); c.862-6255G>C (NM_001072.4); c.868-6255G>C (NM_019078.2, NM_007120.3, NM_019093.4).
Identifiers: ClinVar variation 4823140 (VCV004823140.4).

ClinVar aggregate classification (germline): Uncertain significance (1 of 4 stars; one submission).

Submission:

CeGaT Center for Human Genetics Tuebingen
Classification: Uncertain significance. Last evaluated: 2026-01-01. Review status: criteria provided, single submitter. Criteria: CeGaT Center For Human Genetics Tuebingen Variant Classification Criteria Version 2. Collection method: clinical testing. Allele origin: germline. Affected: yes. Observed: 1 variant allele.
Comment: UGT1A1: PM2:Supporting, BP4